The following is an entry in ClinVar:

ClinVar aggregate classification (germline): Uncertain significance (1 of 4 stars; one submission).

Conditions:
Hereditary hyperekplexia. Identifiers: Orphanet 3197, MedGen C4084968, MONDO:0021022.

Allele frequency attached by ClinVar (database versions not stated): gnomAD 0.00001; TOPMed 0.00001; gnomAD exomes 0.00004; ExAC 0.00013.
gnomAD v4.1: 23 of 1,613,992 alleles (0.0014%); highest among the groups gnomAD compares: Admixed American, 0.037%; 1 homozygote.

Submission:

Labcorp Genetics (formerly Invitae), Labcorp
Classification: Uncertain significance for Hereditary hyperekplexia. Last evaluated: 2023-09-04. Review status: criteria provided, single submitter. Criteria: Invitae Variant Classification Sherloc (09022015). Collection method: clinical testing. Allele origin: germline.
Comment: In summary, the available evidence is currently insufficient to determine the role of this variant in disease. Therefore, it has been classified as a Variant of Uncertain Significance. Advanced modeling of protein sequence and biophysical properties (such as structural, functional, and spatial information, amino acid conservation, physicochemical variation, residue mobility, and thermodynamic stability) performed at Invitae indicates that this missense variant is not expected to disrupt GLRA1 protein function. This variant has not been reported in the literature in individuals affected with GLRA1-related conditions. This variant is present in population databases (rs760703064, gnomAD 0.03%). This sequence change replaces glutamine, which is neutral and polar, with proline, which is neutral and non-polar, at codon 410 of the GLRA1 protein (p.Gln410Pro).

NM_000171.4(GLRA1):c.1229A>C (p.Gln410Pro)

Gene: GLRA1 (glycine receptor alpha 1; minus strand). Cytogenetic location: 5q33.1.
Variant type: single nucleotide variant.
Coding change: c.1229A>C on transcript NM_000171.4 (MANE Select); coding-DNA position 1229, A replaced by C.
Protein change: p.Gln410Pro; replaces glutamine 410 with proline.
Molecular consequence: missense variant.
Genome position (GRCh38, 1-based): chr5:151,822,794, T>G on the plus strand (A>C on the coding strand, the complement: GLRA1 is on the minus strand). VCF-style: chr5-151822794-T-G. GRCh37 (hg19) VCF-style: chr5-151202355-T-G.
Other names: c.1253A>C, p.Gln418Pro (NM_001146040.2); c.980A>C, p.Gln327Pro (NM_001292000.2); short protein forms Q418P, Q327P, Q410P.
Identifiers: ClinVar variation 2904264 (VCV002904264.3), dbSNP rs760703064, ClinGen allele CA3523476.
Genomic context (GRCh38, chr5:151,822,794, plus strand): 5'-AAAATGAGGAAGGCCATGGGGAAGCCAATGCGGGATATTTTGTCGATCTTCTTGGCCCTC[T>G]GGATGAAGAGTTTTCGCATCTCCTCTGGGGACTTAGATGGTGCAGGAGGGGGGTTGGTGG-3'
Protein context (NP_000162.2, residues 400-420): SPEEMRKLFI[Gln410Pro]RAKKIDKISR